The following is an entry in ClinVar:

ClinVar aggregate classification (germline): Likely pathogenic (1 of 4 stars; one submission).

Conditions:
Autosomal recessive limb-girdle muscular dystrophy type 2J (LGMDR10). Also called: Limb-girdle muscular dystrophy, type 2J; MUSCULAR DYSTROPHY, LIMB-GIRDLE, AUTOSOMAL RECESSIVE 10. Identifiers: Orphanet 140922, MedGen C1837342, MONDO:0012127, OMIM 608807.
Dilated cardiomyopathy 1G (CMD1G). Identifiers: Orphanet 154, MedGen C1858763, MONDO:0011400, OMIM 604145.

Submission:

Labcorp Genetics (formerly Invitae), Labcorp
Classification: Likely pathogenic for Dilated cardiomyopathy 1G; Autosomal recessive limb-girdle muscular dystrophy type 2J. Last evaluated: 2025-05-19. Review status: criteria provided, single submitter. Criteria: Invitae Variant Classification Sherloc (09022015). Collection method: clinical testing. Allele origin: germline.
Comment: This sequence change creates a premature translational stop signal (p.Ile22964Serfs*6) in the TTN gene. While this is not anticipated to result in nonsense mediated decay, it is expected to create a truncated TTN protein. This variant is not present in population databases (gnomAD no frequency). This variant has not been reported in the literature in individuals affected with TTN-related conditions. This variant is located in the A band of TTN (PMID: 25589632). Truncating variants in this region are significantly overrepresented in patients affected with dilated cardiomyopathy (PMID: 25589632). Truncating variants in this region have also been reported in individuals affected with autosomal recessive centronuclear myopathy (PMID: 23975875). In summary, the currently available evidence indicates that the variant is pathogenic, but additional data are needed to prove that conclusively. Therefore, this variant has been classified as Likely Pathogenic.

Literature cited by the submitters: PubMed 25589632; PubMed 23975875.

NM_001267550.2(TTN):c.68891_68892del (p.Ile22964fs)

Genes: TTN-AS1 (TTN antisense RNA 1; plus strand), TTN (titin; minus strand). Cytogenetic location: 2q31.2.
Variant type: Deletion.
Coding change: c.68891_68892del on transcript NM_001267550.2 (MANE Select); coding-DNA positions 68891 to 68892, 2 bases deleted (TT; older notation c.68891_68892delTT).
Protein change: p.Ile22964fs; shifts the reading frame from isoleucine 22964.
Molecular consequence: frameshift variant.
Genome position (GRCh38, 1-based): chr2:178,577,443-178,577,444, AA deleted on the plus strand (TT on the coding strand, the reverse complement: TTN is on the minus strand). VCF-style (leftmost placement, unchanged base first): chr2-178577442-CAA-C. GRCh37 (hg19) VCF-style: chr2-179442169-CAA-C.
Other names: c.63968_63969del, p.Ile21323fs (NM_001256850.1); c.41696_41697del, p.Ile13899fs (NM_003319.4); c.61187_61188del, p.Ile20396fs (NM_133378.4); c.42071_42072del, p.Ile14024fs (NM_133432.3); c.42272_42273del, p.Ile14091fs (NM_133437.4); short protein forms I14091fs, I22964fs, I13899fs, I21323fs, I14024fs, I20396fs.
Identifiers: ClinVar variation 4785062 (VCV004785062.1).